The following is an entry in ClinVar:

NM_005548.3(KARS1):c.1687A>C (p.Asn563His)

Gene: KARS1 (lysyl-tRNA synthetase 1; minus strand). Cytogenetic location: 16q23.1.
Variant type: single nucleotide variant.
Coding change: c.1687A>C on transcript NM_005548.3 (MANE Select); coding-DNA position 1687, A replaced by C.
Protein change: p.Asn563His; replaces asparagine 563 with histidine.
Molecular consequence: missense variant.
Genome position (GRCh38, 1-based): chr16:75,628,577, T>G on the plus strand (A>C on the coding strand, the complement: KARS1 is on the minus strand). VCF-style: chr16-75628577-T-G. GRCh37 (hg19) VCF-style: chr16-75662475-T-G.
Other names: c.1771A>C, p.Asn591His (NM_001130089.2); c.1219A>C, p.Asn407His (NM_001378148.1); short protein forms N563H, N407H, N591H.
Identifiers: ClinVar variation 4089725 (VCV004089725.3).

ClinVar aggregate classification (germline): Uncertain significance. Review status: criteria provided, multiple submitters, no conflicts (2 of 4 stars). 3 submissions from 3 submitters: Uncertain significance (3). Last evaluated 2026-04-13.

Conditions:
KARS1-related disorder. Also called: KARS1-related disorders.

Submissions (3):

PreventionGenetics, part of Exact Sciences
Classification: Uncertain significance for KARS1-related condition. Last evaluated: 2026-04-13. Review status: criteria provided, single submitter. Criteria: ACMG Guidelines, 2015. Collection method: clinical testing. Allele origin: germline.
Comment: The KARS1 c.1771A>C variant is predicted to result in the amino acid substitution p.Asn591His. To our knowledge, this variant has not been reported in the literature. This variant is reported in 0.0046% of alleles in individuals of European (Finnish) descent in gnomAD. At this time, the clinical significance of this variant is uncertain due to the absence of conclusive functional and genetic evidence.

Ambry Genetics
Classification: Uncertain significance. Last evaluated: 2025-08-23. Review status: criteria provided, single submitter. Criteria: Ambry Variant Classification Scheme 2023. Collection method: clinical testing. Allele origin: germline.

Blueprint Genetics
Classification: Uncertain significance. Last evaluated: 2023-09-13. Review status: criteria provided, single submitter. Criteria: ACMG Guidelines, 2015. Collection method: clinical testing. Allele origin: germline.